The following is an entry in ClinVar:

NM_006415.4(SPTLC1):c.388G>A (p.Val130Met)

Gene: SPTLC1 (serine palmitoyltransferase long chain base subunit 1; minus strand). Cytogenetic location: 9q22.31.
Variant type: single nucleotide variant.
Coding change: c.388G>A on transcript NM_006415.4 (MANE Select); coding-DNA position 388, G replaced by A.
Protein change: p.Val130Met; replaces valine 130 with methionine.
Molecular consequence: missense variant. On other transcripts: 5 prime UTR variant (2).
Genome position (GRCh38, 1-based): chr9:92,080,055, C>T on the plus strand (G>A on the coding strand, the complement: SPTLC1 is on the minus strand). VCF-style: chr9-92080055-C-T. GRCh37 (hg19) VCF-style: chr9-94842337-C-T.
Other names: c.388G>A (LRG_272t1); c.388G>A, p.Val130Met (NM_001281303.2, NM_178324.3); c.-112G>A (NM_001368272.1); c.-78G>A (NM_001368273.1); short protein forms V130M.
Identifiers: ClinVar variation 426895 (VCV000426895.14), dbSNP rs200773661, ClinGen allele CA373788117.

ClinVar aggregate classification (germline): Uncertain significance. Review status: criteria provided, multiple submitters, no conflicts (2 of 4 stars). 2 submissions from 2 submitters: Uncertain significance (2). Last evaluated 2025-01-15.

Conditions:
Hereditary sensory and autonomic neuropathy type 1 (HSAN1). Also called: HSAN 1; Hereditary Sensory Neuropathy Type I; HSN Type I. Identifiers: Orphanet 36386, MedGen C0020071, MONDO:0018213.

gnomAD v4.1: 6 of 1,614,058 alleles (0.00037%); highest among the groups gnomAD compares: South Asian, 0.0033%; no homozygotes.

Submissions (2):

GeneDx
Classification: Uncertain significance. Last evaluated: 2025-01-15. Review status: criteria provided, single submitter. Criteria: GeneDx Variant Classification Process June 2021. Collection method: clinical testing. Allele origin: germline. Affected: yes.
Comment: Not observed at significant frequency in large population cohorts (gnomAD); In silico analysis supports that this missense variant has a deleterious effect on protein structure/function; Has not been previously published as pathogenic or benign to our knowledge

Labcorp Genetics (formerly Invitae), Labcorp
Classification: Uncertain significance for Hereditary sensory and autonomic neuropathy type 1. Last evaluated: 2024-06-30. Review status: criteria provided, single submitter. Criteria: Invitae Variant Classification Sherloc (09022015). Collection method: clinical testing. Allele origin: germline.
Comment: This sequence change replaces valine, which is neutral and non-polar, with methionine, which is neutral and non-polar, at codon 130 of the SPTLC1 protein (p.Val130Met). This variant is present in population databases (no rsID available, gnomAD 0.003%). This variant has not been reported in the literature in individuals affected with SPTLC1-related conditions. ClinVar contains an entry for this variant (Variation ID: 426895). Advanced modeling of protein sequence and biophysical properties (such as structural, functional, and spatial information, amino acid conservation, physicochemical variation, residue mobility, and thermodynamic stability) performed at Invitae indicates that this missense variant is expected to disrupt SPTLC1 protein function with a positive predictive value of 80%. In summary, the available evidence is currently insufficient to determine the role of this variant in disease. Therefore, it has been classified as a Variant of Uncertain Significance.